The following is an entry in ClinVar:

ClinVar aggregate classification (germline): Uncertain significance (1 of 4 stars; one submission).

Conditions:
Cystic fibrosis (CF). Also called: MUCOVISCIDOSIS. Identifiers: Orphanet 586, MedGen C0010674, MONDO:0009061, OMIM 219700. Disease mechanism: loss of function.

Submission:

Ambry Genetics
Classification: Uncertain significance for Cystic fibrosis. Last evaluated: 2026-06-18. Review status: criteria provided, single submitter. Criteria: Ambry Variant Classification Scheme 2023. Collection method: clinical testing. Allele origin: germline.
Comment: The p.C647S variant (also known as c.1939T>A), located in coding exon 14 of the CFTR gene, results from a T to A substitution at nucleotide position 1939. The cysteine at codon 647 is replaced by serine, an amino acid with dissimilar properties. This amino acid position is conserved. In addition, the in silico prediction for this alteration is inconclusive. Based on the available evidence, the clinical significance of this variant remains unclear.

NM_000492.4(CFTR):c.1939T>A (p.Cys647Ser)

Gene: CFTR (CF transmembrane conductance regulator; plus strand). Cytogenetic location: 7q31.2.
Variant type: single nucleotide variant.
Coding change: c.1939T>A on transcript NM_000492.4 (MANE Select); coding-DNA position 1939, T replaced by A.
Protein change: p.Cys647Ser; replaces cysteine 647 with serine.
Molecular consequence: missense variant.
Genome position (GRCh38, 1-based): chr7:117,592,106, T>A. VCF-style: chr7-117592106-T-A. GRCh37 (hg19) VCF-style: chr7-117232160-T-A.
Other names: short protein forms C647S.
Identifiers: ClinVar variation 2494926 (VCV002494926.3), dbSNP rs2485109522, ClinGen allele CA368978906.